The following is an entry in ClinVar:

ClinVar aggregate classification (germline): Uncertain significance. Review status: criteria provided, multiple submitters, no conflicts (2 of 4 stars). 2 submissions from 2 submitters: Uncertain significance (2). Last evaluated 2025-07-07.

Allele frequency attached by ClinVar (database versions not stated): gnomAD exomes below 0.00001; TOPMed 0.00002.
gnomAD v4.1: 1 of 1,614,128 alleles (0.000062%); highest among the groups gnomAD compares: Admixed American, 0.0017%; no homozygotes.

Submissions (2):

Labcorp Genetics (formerly Invitae), Labcorp
Classification: Uncertain significance. Last evaluated: 2025-07-07. Review status: criteria provided, single submitter. Criteria: Invitae Variant Classification Sherloc (09022015). Collection method: clinical testing. Allele origin: germline.
Comment: This sequence change replaces serine, which is neutral and polar, with arginine, which is basic and polar, at codon 397 of the PPP2R5D protein (p.Ser397Arg). This variant is present in population databases (no rsID available, gnomAD 0.003%). This variant has not been reported in the literature in individuals affected with PPP2R5D-related conditions. ClinVar contains an entry for this variant (Variation ID: 1947892). An algorithm developed to predict the effect of missense changes on protein structure and function (PolyPhen-2) suggests that this variant is likely to be tolerated. In summary, the available evidence is currently insufficient to determine the role of this variant in disease. Therefore, it has been classified as a Variant of Uncertain Significance.

Women's Health and Genetics/Laboratory Corporation of America, LabCorp
Classification: Uncertain significance. Last evaluated: 2024-04-22. Review status: criteria provided, single submitter. Criteria: LabCorp Variant Classification Summary - May 2015. Collection method: clinical testing. Allele origin: germline.
Comment: Variant summary: PPP2R5D c.1191C>G (p.Ser397Arg) results in a non-conservative amino acid change in the encoded protein sequence. Three of five in-silico tools predict a benign effect of the variant on protein function. The variant allele was found at a frequency of 4e-06 in 251486 control chromosomes. The available data on variant occurrences in the general population are insufficient to allow any conclusion about variant significance. To our knowledge, no occurrence of c.1191C>G in individuals affected with Intellectual Disability-Macrocephaly Abnormalities Syndrome and no experimental evidence demonstrating its impact on protein function have been reported. ClinVar contains an entry for this variant (Variation ID: 1947892). Based on the evidence outlined above, the variant was classified as uncertain significance.

NM_006245.4(PPP2R5D):c.1191C>G (p.Ser397Arg)

Gene: PPP2R5D (protein phosphatase 2 regulatory subunit B'delta; plus strand). Cytogenetic location: 6p21.1.
Variant type: single nucleotide variant.
Coding change: c.1191C>G on transcript NM_006245.4 (MANE Select); coding-DNA position 1191, C replaced by G.
Protein change: p.Ser397Arg; replaces serine 397 with arginine.
Molecular consequence: missense variant.
Genome position (GRCh38, 1-based): chr6:43,009,167, C>G. VCF-style: chr6-43009167-C-G. GRCh37 (hg19) VCF-style: chr6-42976905-C-G.
Other names: c.738C>G, p.Ser246Arg (NM_001270476.2); c.1095C>G, p.Ser365Arg (NM_180976.3); c.873C>G, p.Ser291Arg (NM_180977.3); short protein forms S246R, S365R, S397R, S291R.
Identifiers: ClinVar variation 1947892 (VCV001947892.6), dbSNP rs1367749984, ClinGen allele CA364193817.
Genomic context (GRCh38, chr6:43,009,167, plus strand): 5'-GGTGATGTTCTTGAATGAGCTGGAGGAGATTCTGGACGTCATTGAACCTTCTGAGTTCAG[C>G]AAAGTGATGGAACCCCTCTTCCGCCAGCTGGCCAAGTGTGTCTCTAGCCCCCATTTCCAG-3'
Protein context (NP_006236.1, residues 387-407): ILDVIEPSEF[Ser397Arg]KVMEPLFRQL